The following is an entry in ClinVar:

ClinVar aggregate classification (germline): Likely benign. Review status: criteria provided, multiple submitters, no conflicts (2 of 4 stars). 3 submissions from 3 submitters: Likely benign (3). Last evaluated 2025-12-01.

Conditions:
Brugada syndrome 5 (BRGDA5). Identifiers: Orphanet 130, Orphanet 871, MedGen C2748541, MONDO:0013015, OMIM 612838.

Allele frequency attached by ClinVar (database versions not stated): gnomAD 0.00001; gnomAD exomes 0.00001; TOPMed 0.00001.

Submissions (3):

CeGaT Center for Human Genetics Tuebingen
Classification: Likely benign. Last evaluated: 2025-12-01. Review status: criteria provided, single submitter. Criteria: CeGaT Center For Human Genetics Tuebingen Variant Classification Criteria Version 2. Collection method: clinical testing. Allele origin: germline. Affected: yes. Observed: 1 variant allele.
Comment: SCN1B: BP4, BP7

Labcorp Genetics (formerly Invitae), Labcorp
Classification: Likely benign for Brugada syndrome 5. Last evaluated: 2025-03-17. Review status: criteria provided, single submitter. Criteria: Invitae Variant Classification Sherloc (09022015). Collection method: clinical testing. Allele origin: germline.

Breakthrough Genomics
Classification: Likely benign. Review status: criteria provided, single submitter. Criteria: ACMG Guidelines, 2015. Collection method: not provided. Allele origin: germline. Inheritance: Autosomal recessive inheritance. Affected: yes.

NM_001037.5(SCN1B):c.448+215C>G

Gene: SCN1B (sodium voltage-gated channel beta subunit 1; plus strand). Cytogenetic location: 19q13.11.
Variant type: single nucleotide variant.
Coding change: c.448+215C>G on transcript NM_001037.5 (MANE Select); 215 bases into the intron after coding-DNA position 448, C replaced by G.
Molecular consequence: intron variant. On other transcripts: synonymous variant (1).
Genome position (GRCh38, 1-based): chr19:35,033,954, C>G. VCF-style: chr19-35033954-C-G. GRCh37 (hg19) VCF-style: chr19-35524858-C-G.
Other names: c.663C>G, p.Val221= (NM_199037.5); c.349+215C>G (NM_001321605.2).
Identifiers: ClinVar variation 470183 (VCV000470183.17), dbSNP rs1015574605, ClinGen allele CA507054472.